The following is an entry in ClinVar:

NM_004371.4(COPA):c.1505A>G (p.His502Arg)

Gene: COPA (coat protein complex I subunit alpha; minus strand). Cytogenetic location: 1q23.2.
Variant type: single nucleotide variant.
Coding change: c.1505A>G on transcript NM_004371.4 (MANE Select); coding-DNA position 1505, A replaced by G.
Protein change: p.His502Arg; replaces histidine 502 with arginine.
Molecular consequence: missense variant.
Genome position (GRCh38, 1-based): chr1:160,305,711, T>C on the plus strand (A>G on the coding strand, the complement: COPA is on the minus strand). VCF-style: chr1-160305711-T-C. GRCh37 (hg19) VCF-style: chr1-160275501-T-C.
Other names: c.1505A>G, p.His502Arg (NM_001098398.2); short protein forms H502R.
Identifiers: ClinVar variation 1039172 (VCV001039172.8), dbSNP rs764189695, ClinGen allele CA1198092.

ClinVar aggregate classification (germline): Uncertain significance (1 of 4 stars; one submission).

Conditions:
Autoimmune interstitial lung disease-arthritis syndrome. Also called: Autoinflammation and autoimmunity, systemic, with immune dysregulation. Identifiers: Orphanet 444092, MedGen C5975714, MONDO:0014629.

Allele frequency attached by ClinVar (database versions not stated): gnomAD exomes below 0.00001; ExAC 0.00001.

Submission:

Labcorp Genetics (formerly Invitae), Labcorp
Classification: Uncertain significance for Autoimmune interstitial lung disease-arthritis syndrome. Last evaluated: 2023-10-22. Review status: criteria provided, single submitter. Criteria: Invitae Variant Classification Sherloc (09022015). Collection method: clinical testing. Allele origin: germline.
Comment: This sequence change replaces histidine, which is basic and polar, with arginine, which is basic and polar, at codon 502 of the COPA protein (p.His502Arg). This variant is present in population databases (rs764189695, gnomAD 0.003%). This variant has not been reported in the literature in individuals affected with COPA-related conditions. ClinVar contains an entry for this variant (Variation ID: 1039172). Advanced modeling of protein sequence and biophysical properties (such as structural, functional, and spatial information, amino acid conservation, physicochemical variation, residue mobility, and thermodynamic stability) performed at Invitae indicates that this missense variant is not expected to disrupt COPA protein function. In summary, the available evidence is currently insufficient to determine the role of this variant in disease. Therefore, it has been classified as a Variant of Uncertain Significance.